The following is an entry in ClinVar:

ClinVar aggregate classification (germline): Likely benign. Review status: criteria provided, multiple submitters, no conflicts (2 of 4 stars). 3 submissions from 3 submitters: Likely benign (3). Last evaluated 2026-06-03.

Conditions:
HARS1-related disorder. Also called: HARS1-related condition.
Usher syndrome type 3B. Also called: USHER SYNDROME, TYPE IIIB. Identifiers: MedGen C3281066, MONDO:0013788, OMIM 614504.

gnomAD v4.1: 15 of 1,613,572 alleles (0.00093%); highest among the groups gnomAD compares: Non-Finnish European, 0.00051%; no homozygotes.

Submissions (3):

PreventionGenetics, part of Exact Sciences
Classification: Likely benign for HARS1-related condition. Last evaluated: 2026-06-03. Review status: criteria provided, single submitter. Criteria: ACMG Guidelines, 2015. Collection method: clinical testing. Allele origin: germline.
Comment: This variant is classified as likely benign based on ACMG/AMP sequence variant interpretation guidelines (Richards et al. 2015 PMID: 25741868, with internal and published modifications).

Labcorp Genetics (formerly Invitae), Labcorp
Classification: Likely benign for Usher syndrome type 3B. Last evaluated: 2024-02-08. Review status: criteria provided, single submitter. Criteria: Invitae Variant Classification Sherloc (09022015). Collection method: clinical testing. Allele origin: germline.

Blueprint Genetics
Classification: Likely benign. Last evaluated: 2021-09-29. Review status: criteria provided, single submitter. Criteria: ACMG Guidelines, 2015. Collection method: clinical testing. Allele origin: germline.

NM_002109.6(HARS1):c.1260G>A (p.Leu420=)

Gene: HARS1 (histidyl-tRNA synthetase 1; minus strand). Cytogenetic location: 5q31.3.
Variant type: single nucleotide variant.
Coding change: c.1260G>A on transcript NM_002109.6 (MANE Select); coding-DNA position 1260, G replaced by A.
Protein change: p.Leu420=; no amino-acid change (leucine 420 retained).
Molecular consequence: synonymous variant.
Genome position (GRCh38, 1-based): chr5:140,675,068, C>T on the plus strand (G>A on the coding strand, the complement: HARS1 is on the minus strand). VCF-style: chr5-140675068-C-T. GRCh37 (hg19) VCF-style: chr5-140054653-C-T.
Other names: c.1140G>A, p.Leu380= (NM_001258040.3); c.1200G>A, p.Leu400= (NM_001258041.3); c.1080G>A, p.Leu360= (NM_001258042.3); c.1038G>A, p.Leu346= (NM_001289092.2); c.918G>A, p.Leu306= (NM_001289093.2); c.1173G>A, p.Leu391= (NM_001289094.2); c.1260G>A (NM_002109.5).
Identifiers: ClinVar variation 3712545 (VCV003712545.4).